The following is an entry in ClinVar:

ClinVar aggregate classification (germline): Conflicting classifications of pathogenicity. Review status: criteria provided, conflicting classifications (1 of 4 stars). 3 submissions from 3 submitters: Uncertain significance (1); Likely benign (2). Last evaluated 2026-04-01.

Allele frequency attached by ClinVar (database versions not stated): 1000 Genomes Project 0.00060; 1000 Genomes Project 30x 0.00062; ExAC 0.00088; ESP Exome Variant Server 0.00092; gnomAD exomes 0.00093 and 0.00097; gnomAD 0.00103 and 0.00107; TOPMed 0.00119.
gnomAD v4.1: 1,583 of 1,611,364 alleles (0.098%); highest among the groups gnomAD compares: Admixed American, 0.22%; 2 homozygotes.

Submissions (3):

CeGaT Center for Human Genetics Tuebingen
Classification: Likely benign. Last evaluated: 2026-04-01. Review status: criteria provided, single submitter. Criteria: CeGaT Center For Human Genetics Tuebingen Variant Classification Criteria Version 2. Collection method: clinical testing. Allele origin: germline. Affected: yes. Observed: 2 variant alleles.
Comment: MBTPS1: BP4

Labcorp Genetics (formerly Invitae), Labcorp
Classification: Likely benign. Last evaluated: 2026-01-11. Review status: criteria provided, single submitter. Criteria: Invitae Variant Classification Sherloc (09022015). Collection method: clinical testing. Allele origin: germline.

Breakthrough Genomics
Classification: Uncertain significance. Review status: criteria provided, single submitter. Criteria: ACMG Guidelines, 2015. Collection method: not provided. Allele origin: germline. Inheritance: Autosomal recessive inheritance. Affected: yes.

NM_003791.4(MBTPS1):c.1782+3A>G

Gene: MBTPS1 (membrane bound transcription factor peptidase, site 1; minus strand). Cytogenetic location: 16q23.3.
Variant type: single nucleotide variant.
Coding change: c.1782+3A>G on transcript NM_003791.4 (MANE Select); 3 bases into the intron after coding-DNA position 1782, A replaced by G.
Molecular consequence: intron variant.
Genome position (GRCh38, 1-based): chr16:84,070,585, T>C on the plus strand (A>G on the coding strand, the complement: MBTPS1 is on the minus strand). VCF-style: chr16-84070585-T-C. GRCh37 (hg19) VCF-style: chr16-84104190-T-C.
Identifiers: ClinVar variation 1356835 (VCV001356835.15), dbSNP rs192093489, ClinGen allele CA8201190.